The following is an entry in ClinVar:

ClinVar aggregate classification (germline): Likely pathogenic. Review status: criteria provided, multiple submitters, no conflicts (2 of 4 stars). 2 submissions from 2 submitters: Likely pathogenic (2). Last evaluated 2025-06-13.

Conditions:
Primary ciliary dyskinesia 3. Identifiers: Orphanet 244, MedGen C1837618, MONDO:0012085, OMIM 608644.
Primary ciliary dyskinesia. Also called: Ciliary dyskinesia. Identifiers: Orphanet 244, MedGen C0008780, MONDO:0016575, HP:0012265.

Submissions (2):

Myriad Genetics, Inc.
Classification: Likely pathogenic for Primary ciliary dyskinesia 3. Last evaluated: 2025-06-13. Review status: criteria provided, single submitter. Criteria: Myriad Autosomal Dominant, Autosomal Recessive and X-Linked Classification Criteria (2023). Collection method: clinical testing. Allele origin: unknown.
Comment: NM_001369.2(DNAH5):c.2432-1G>C is a variant in a canonical splice site classified as likely pathogenic in the context of primary ciliary dyskinesia, DNAH5-related. c.2432-1G>C has not been observed in cases with relevant disease. Relevant functional assessments of this variant are not available in the literature. c.2432-1G>C has not been observed in referenced population frequency databases. In summary, NM_001369.2(DNAH5):c.2432-1G>C is a variant in a canonical splice site in a gene where loss of function is a known mechanism of disease and is predicted to disrupt protein function. Please note: this variant was assessed in the context of healthy population screening.

Labcorp Genetics (formerly Invitae), Labcorp
Classification: Likely pathogenic for Primary ciliary dyskinesia. Last evaluated: 2025-03-17. Review status: criteria provided, single submitter. Criteria: Invitae Variant Classification Sherloc (09022015). Collection method: clinical testing. Allele origin: germline.
Comment: This sequence change affects an acceptor splice site in intron 16 of the DNAH5 gene. It is expected to disrupt RNA splicing. Variants that disrupt the donor or acceptor splice site typically lead to a loss of protein function (PMID: 16199547), and loss-of-function variants in DNAH5 are known to be pathogenic (PMID: 11788826, 16627867). This variant is not present in population databases (gnomAD no frequency). This variant has not been reported in the literature in individuals affected with DNAH5-related conditions. ClinVar contains an entry for this variant (Variation ID: 2162993). Algorithms developed to predict the effect of sequence changes on RNA splicing suggest that this variant may disrupt the consensus splice site. In summary, the currently available evidence indicates that the variant is pathogenic, but additional data are needed to prove that conclusively. Therefore, this variant has been classified as Likely Pathogenic.

Literature cited by the submitters: PubMed 16199547 (cited by Labcorp Genetics (formerly Invitae), Labcorp); PubMed 11788826 (cited by Labcorp Genetics (formerly Invitae), Labcorp); PubMed 16627867 (cited by Labcorp Genetics (formerly Invitae), Labcorp).

NM_001369.3(DNAH5):c.2432-1G>C

Genes: DNAH5 (dynein axonemal heavy chain 5; minus strand), DNAH5-AS1 (DNAH5 antisense RNA 1; plus strand). Cytogenetic location: 5p15.2.
Variant type: single nucleotide variant.
Coding change: c.2432-1G>C on transcript NM_001369.3 (MANE Select); the canonical splice acceptor site of the intron before coding-DNA position 2432, G replaced by C.
Molecular consequence: splice acceptor variant.
Genome position (GRCh38, 1-based): chr5:13,891,122, C>G on the plus strand (G>C on the coding strand, the complement: DNAH5 is on the minus strand). VCF-style: chr5-13891122-C-G. GRCh37 (hg19) VCF-style: chr5-13891231-C-G.
Identifiers: ClinVar variation 2162993 (VCV002162993.5), dbSNP rs2547057734, ClinGen allele CA359199919.